The following is an entry in ClinVar:

NM_006303.4(AIMP2):c.687C>T (p.Asn229=)

Genes: AIMP2 (aminoacyl tRNA synthetase complex interacting multifunctional protein 2; plus strand), EIF2AK1 (eukaryotic translation initiation factor 2 alpha kinase 1; minus strand). Cytogenetic location: 7p22.1.
Variant type: single nucleotide variant.
Coding change: c.687C>T on transcript NM_006303.4 (MANE Select); coding-DNA position 687, C replaced by T.
Protein change: p.Asn229=; no amino-acid change (asparagine 229 retained).
Molecular consequence: synonymous variant. On other transcripts: 3 prime UTR variant (2).
Genome position (GRCh38, 1-based): chr7:6,023,415, C>T. VCF-style: chr7-6023415-C-T. GRCh37 (hg19) VCF-style: chr7-6063046-C-T.
Other names: c.*1258G>A (NM_001134335.2, NM_014413.4); c.567C>T, p.Asn189= (NM_001326606.2); c.480C>T, p.Asn160= (NM_001326607.2); c.453C>T, p.Asn151= (NM_001326609.2, NM_001326610.2, NM_001326611.3); c.600C>T, p.Asn200= (NM_001362785.2); c.555C>T, p.Asn185= (NM_001362787.2).
Identifiers: ClinVar variation 1910000 (VCV001910000.11), dbSNP rs764803060, ClinGen allele CA4150455.

ClinVar aggregate classification (germline): Likely benign. Review status: criteria provided, multiple submitters, no conflicts (2 of 4 stars). 2 submissions from 2 submitters: Likely benign (2). Last evaluated 2025-10-01.

Allele frequency attached by ClinVar (database versions not stated): TOPMed 0.00001; gnomAD 0.00003; gnomAD exomes 0.00004.
gnomAD v4.1: 68 of 1,614,078 alleles (0.0042%); highest among the groups gnomAD compares: Admixed American, 0.005%; no homozygotes.

Submissions (2):

CeGaT Center for Human Genetics Tuebingen
Classification: Likely benign. Last evaluated: 2025-10-01. Review status: criteria provided, single submitter. Criteria: CeGaT Center For Human Genetics Tuebingen Variant Classification Criteria Version 2. Collection method: clinical testing. Allele origin: germline. Affected: yes. Observed: 1 variant allele.
Comment: AIMP2: BP4, BP7

Labcorp Genetics (formerly Invitae), Labcorp
Classification: Likely benign. Last evaluated: 2025-06-30. Review status: criteria provided, single submitter. Criteria: Invitae Variant Classification Sherloc (09022015). Collection method: clinical testing. Allele origin: germline.